The following is an entry in ClinVar:

ClinVar aggregate classification (germline): Uncertain significance. Review status: criteria provided, multiple submitters, no conflicts (2 of 4 stars). 2 submissions from 2 submitters: Uncertain significance (2). Last evaluated 2024-01-31.

Conditions:
Inborn genetic diseases. Identifiers: MedGen C0950123, MeSH D030342.

Allele frequency attached by ClinVar (database versions not stated): gnomAD exomes below 0.00001; ExAC 0.00001; TOPMed 0.00002.
gnomAD v4.1: 5 of 1,613,784 alleles (0.00031%); highest among the groups gnomAD compares: Non-Finnish European, 0.00042%; no homozygotes.

Submissions (2):

Ambry Genetics
Classification: Uncertain significance for Inborn genetic diseases. Last evaluated: 2024-01-31. Review status: criteria provided, single submitter. Criteria: Ambry Variant Classification Scheme 2023. Collection method: clinical testing. Allele origin: germline.

Labcorp Genetics (formerly Invitae), Labcorp
Classification: Uncertain significance. Last evaluated: 2023-03-13. Review status: criteria provided, single submitter. Criteria: Invitae Variant Classification Sherloc (09022015). Collection method: clinical testing. Allele origin: germline.
Comment: This sequence change replaces alanine, which is neutral and non-polar, with valine, which is neutral and non-polar, at codon 176 of the NLRP1 protein (p.Ala176Val). This variant is present in population databases (rs771066401, gnomAD 0.002%). This variant has not been reported in the literature in individuals affected with NLRP1-related conditions. An algorithm developed to predict the effect of missense changes on protein structure and function (PolyPhen-2) suggests that this variant is likely to be disruptive. In summary, the available evidence is currently insufficient to determine the role of this variant in disease. Therefore, it has been classified as a Variant of Uncertain Significance.

NM_033004.4(NLRP1):c.527C>T (p.Ala176Val)

Gene: NLRP1 (NLR family pyrin domain containing 1; minus strand). Cytogenetic location: 17p13.2.
Variant type: single nucleotide variant.
Coding change: c.527C>T on transcript NM_033004.4 (MANE Select); coding-DNA position 527, C replaced by T.
Protein change: p.Ala176Val; replaces alanine 176 with valine.
Molecular consequence: missense variant.
Genome position (GRCh38, 1-based): chr17:5,581,984, G>A on the plus strand (C>T on the coding strand, the complement: NLRP1 is on the minus strand). VCF-style: chr17-5581984-G-A. GRCh37 (hg19) VCF-style: chr17-5485304-G-A.
Other names: c.527C>T, p.Ala176Val (NM_001033053.3, NM_014922.5, NM_033006.4 and 1 more transcripts); short protein forms A176V.
Identifiers: ClinVar variation 2812247 (VCV002812247.4), dbSNP rs771066401, ClinGen allele CA8327557.